The following is an entry in ClinVar:

NM_001258392.3(CLPB):c.680G>T (p.Arg227Met)

Gene: CLPB (ClpB family mitochondrial disaggregase; minus strand). Cytogenetic location: 11q13.4.
Variant type: single nucleotide variant.
Coding change: c.680G>T on transcript NM_001258392.3 (MANE Select); coding-DNA position 680, G replaced by T.
Protein change: p.Arg227Met; replaces arginine 227 with methionine.
Molecular consequence: missense variant.
Genome position (GRCh38, 1-based): chr11:72,358,975, C>A on the plus strand (G>T on the coding strand, the complement: CLPB is on the minus strand). VCF-style: chr11-72358975-C-A. GRCh37 (hg19) VCF-style: chr11-72070019-C-A.
Other names: c.593G>T, p.Arg198Met (NM_001258393.3); c.635G>T, p.Arg212Met (NM_001258394.3); c.770G>T, p.Arg257Met (NM_030813.6); short protein forms R257M, R227M, R198M, R212M.
Identifiers: ClinVar variation 542778 (VCV000542778.9), dbSNP rs1284671735, ClinGen allele CA381962294.

ClinVar aggregate classification (germline): Uncertain significance (1 of 4 stars; one submission).

Conditions:
3-methylglutaconic aciduria, type VIIB (MGCA7B). Also called: 3-methylglutaconic aciduria, type VII, with cataracts, neurologic involvement and neutropenia; 3-methylglutaconic aciduria with cataracts, neurologic involvement and neutropenia; CLPB Deficiency. Identifiers: Orphanet 445038, MedGen C5676893, MONDO:0014561, OMIM 616271.

Allele frequency attached by ClinVar (database versions not stated): gnomAD exomes below 0.00001.

Submission:

Labcorp Genetics (formerly Invitae), Labcorp
Classification: Uncertain significance for 3-methylglutaconic aciduria, type VIIB. Last evaluated: 2021-10-11. Review status: criteria provided, single submitter. Criteria: Invitae Variant Classification Sherloc (09022015). Collection method: clinical testing. Allele origin: germline.
Comment: In summary, the available evidence is currently insufficient to determine the role of this variant in disease. Therefore, it has been classified as a Variant of Uncertain Significance. Algorithms developed to predict the effect of missense changes on protein structure and function are either unavailable or do not agree on the potential impact of this missense change (SIFT: "Deleterious"; PolyPhen-2: "Possibly Damaging"; Align-GVGD: "Class C0"). This variant has not been reported in the literature in individuals affected with CLPB-related conditions. This variant is not present in population databases (ExAC no frequency). This sequence change replaces arginine with methionine at codon 257 of the CLPB protein (p.Arg257Met). The arginine residue is moderately conserved and there is a moderate physicochemical difference between arginine and methionine.